The following is an entry in ClinVar:

NM_020937.4(FANCM):c.1045A>G (p.Ile349Val)

Gene: FANCM (FA complementation group M; plus strand). Cytogenetic location: 14q21.2.
Variant type: single nucleotide variant.
Coding change: c.1045A>G on transcript NM_020937.4 (MANE Select); coding-DNA position 1045, A replaced by G.
Protein change: p.Ile349Val; replaces isoleucine 349 with valine.
Molecular consequence: missense variant.
Genome position (GRCh38, 1-based): chr14:45,151,523, A>G. VCF-style: chr14-45151523-A-G. GRCh37 (hg19) VCF-style: chr14-45620726-A-G.
Other names: c.967A>G, p.Ile323Val (NM_001308133.2); c.1045A>G, p.Ile349Val (NM_001308134.2); short protein forms I323V, I349V.
Identifiers: ClinVar variation 4871074 (VCV004871074.1).
Genomic context (GRCh38, chr14:45,151,523, plus strand): 5'-CTAACAAAATATCAGATAATTCTGGCAAGAGATCAGTTTAGGAAAAACCCATCTCCGAAT[A>G]TTGTGGTAGGTATTTTTAAATAAATTTTGATGACAGATTAAATTTTCACTGAAAGCCAGG-3'
Protein context (NP_065988.1, residues 339-359): DQFRKNPSPN[Ile349Val]VGIQQGIIEG

ClinVar aggregate classification (germline): Uncertain significance (1 of 4 stars; one submission).

Conditions:
Inborn genetic diseases. Identifiers: MedGen C0950123, MeSH D030342.

Submission:

Ambry Genetics
Classification: Uncertain significance for Inborn genetic diseases. Last evaluated: 2026-04-11. Review status: criteria provided, single submitter. Criteria: Ambry Variant Classification Scheme 2023. Collection method: clinical testing. Allele origin: germline.
Comment: The p.I349V variant (also known as c.1045A>G), located in coding exon 5 of the FANCM gene, results from an A to G substitution at nucleotide position 1045. The isoleucine at codon 349 is replaced by valine, an amino acid with highly similar properties. This amino acid position is conserved. In addition, this alteration is predicted to be tolerated by in silico analysis. Based on the available evidence, the clinical significance of this variant remains unclear.